The following is an entry in ClinVar:

NM_133259.4(LRPPRC):c.3364+2T>C

Gene: LRPPRC (leucine rich pentatricopeptide repeat containing; minus strand). Cytogenetic location: 2p21.
Variant type: single nucleotide variant.
Coding change: c.3364+2T>C on transcript NM_133259.4 (MANE Select); the canonical splice donor site of the intron after coding-DNA position 3364, T replaced by C.
Molecular consequence: splice donor variant.
Genome position (GRCh38, 1-based): chr2:43,905,690, A>G on the plus strand (T>C on the coding strand, the complement: LRPPRC is on the minus strand). VCF-style: chr2-43905690-A-G. GRCh37 (hg19) VCF-style: chr2-44132829-A-G.
Other names: c.3364+2T>C (NM_133259.3).
Identifiers: ClinVar variation 3366767 (VCV003366767.2).

ClinVar aggregate classification (germline): Likely pathogenic. Review status: criteria provided, multiple submitters, no conflicts (2 of 4 stars). 2 submissions from 2 submitters: Likely pathogenic (2). Last evaluated 2025-10-15.

Conditions:
Congenital lactic acidosis, Saguenay-Lac-Saint-Jean type (MC4DN5). Also called: CYTOCHROME c OXIDASE DEFICIENCY, FRENCH CANADIAN TYPE; COX DEFICIENCY, FRENCH CANADIAN TYPE; MITOCHONDRIAL COMPLEX IV DEFICIENCY, NUCLEAR TYPE 5. Identifiers: Orphanet 70472, MedGen C1857355, MONDO:0009069, OMIM 220111.

gnomAD v4.1: 1 of 1,608,080 alleles (0.000062%); highest among the groups gnomAD compares: Non-Finnish European, 0.000085%; no homozygotes.

Submissions (2):

Natera, Inc.
Classification: Likely pathogenic for French-Canadian type Leigh syndrome. Last evaluated: 2025-10-15. Review status: criteria provided, single submitter. Criteria: Natera Variant Classification Schema (03/2026). Collection method: clinical testing. Allele origin: germline.
Comment: The c.3364+2T>C variant in LRPPRC is a canonical splice donor site variant predicted to affect pre-mRNA splicing, which may result in an abnormal transcript and altered protein product. This variant is expected to result in nonsense mediated decay, truncation, or a dysfunctional protein product. This variant is rare in the general population with a frequency below the threshold expected for the associated phenotype(s). Given the available evidence, this variant is classified as Likely Pathogenic.

Women's Health and Genetics/Laboratory Corporation of America, LabCorp
Classification: Likely pathogenic for Congenital lactic acidosis, Saguenay-Lac-Saint-Jean type. Last evaluated: 2024-08-15. Review status: criteria provided, single submitter. Criteria: LabCorp Variant Classification Summary - May 2015. Collection method: clinical testing. Allele origin: germline.
Comment: Variant summary: LRPPRC c.3364+2T>C is located in a canonical splice-site and is predicted to affect mRNA splicing resulting in a significantly altered protein due to either exon skipping, shortening, or inclusion of intronic material. Variants that disrupt the consensus splice site are a relatively common cause of aberrant splicing and loss of LRPPRC function. Several computational tools predict a significant impact on normal splicing: Three predict the variant abolishes a 5' splicing donor site. One predict the variant no significant impact on splicing. However, these predictions have yet to be confirmed by functional studies. The variant allele was found at a frequency of 4e-06 in 251348 control chromosomes. To our knowledge, no occurrence of c.3364+2T>C in individuals affected with Leigh Syndrome, French-Canadian Type and no experimental evidence demonstrating its impact on protein function have been reported. No submitters have cited clinical-significance assessments for this variant to ClinVar. Based on the evidence outlined above, the variant was classified as likely pathogenic.